The following is an entry in ClinVar:

NM_001365951.3(KIF1B):c.3431A>G (p.His1144Arg)

Gene: KIF1B (kinesin family member 1B; plus strand). Cytogenetic location: 1p36.22.
Variant type: single nucleotide variant.
Coding change: c.3431A>G on transcript NM_001365951.3 (MANE Select); coding-DNA position 3431, A replaced by G.
Protein change: p.His1144Arg; replaces histidine 1144 with arginine.
Molecular consequence: missense variant.
Genome position (GRCh38, 1-based): chr1:10,339,777, A>G. VCF-style: chr1-10339777-A-G. GRCh37 (hg19) VCF-style: chr1-10399835-A-G.
Other names: c.3431A>G, p.His1144Arg (NM_001365952.1); c.3293A>G, p.His1098Arg (NM_015074.3); short protein forms H1098R, H1144R.
Identifiers: ClinVar variation 863361 (VCV000863361.9), dbSNP rs777585476, ClinGen allele CA581782.

ClinVar aggregate classification (germline): Uncertain significance (1 of 4 stars; one submission).

Conditions:
Charcot-Marie-Tooth disease type 2. Also called: Charcot-Marie-Tooth type 2. Identifiers: Orphanet 64746, MedGen C0270914, MONDO:0018993.

Allele frequency attached by ClinVar (database versions not stated): ExAC 0.00001; gnomAD exomes below 0.00001.
gnomAD v4.1: 5 of 1,613,988 alleles (0.00031%); highest among the groups gnomAD compares: Non-Finnish European, 0.00042%; no homozygotes.

Submission:

Labcorp Genetics (formerly Invitae), Labcorp
Classification: Uncertain significance for Charcot-Marie-Tooth disease type 2. Last evaluated: 2019-02-06. Review status: criteria provided, single submitter. Criteria: Invitae Variant Classification Sherloc (09022015). Collection method: clinical testing. Allele origin: germline.
Comment: In summary, the available evidence is currently insufficient to determine the role of this variant in disease. Therefore, it has been classified as a Variant of Uncertain Significance. Algorithms developed to predict the effect of missense changes on protein structure and function are either unavailable or do not agree on the potential impact of this missense change (SIFT: "Tolerated"; PolyPhen-2: "Probably Damaging"; Align-GVGD: "Class C0"). This variant has not been reported in the literature in individuals with KIF1B-related conditions. This variant is present in population databases (rs777585476, ExAC 0.002%). This sequence change replaces histidine with arginine at codon 1098 of the KIF1B protein (p.His1098Arg). The histidine residue is highly conserved and there is a small physicochemical difference between histidine and arginine.